The following is an entry in ClinVar:

NM_001267550.2(TTN):c.76483G>A (p.Val25495Ile)

Genes: TTN (titin; minus strand), TTN-AS1 (TTN antisense RNA 1; plus strand). Cytogenetic location: 2q31.2.
Variant type: single nucleotide variant.
Coding change: c.76483G>A on transcript NM_001267550.2 (MANE Select); coding-DNA position 76483, G replaced by A.
Protein change: p.Val25495Ile; replaces valine 25495 with isoleucine.
Molecular consequence: missense variant.
Genome position (GRCh38, 1-based): chr2:178,569,649, C>T on the plus strand (G>A on the coding strand, the complement: TTN is on the minus strand). VCF-style: chr2-178569649-C-T. GRCh37 (hg19) VCF-style: chr2-179434376-C-T.
Other names: c.71560G>A, p.Val23854Ile (NM_001256850.1); c.49288G>A, p.Val16430Ile (NM_003319.4); c.68779G>A, p.Val22927Ile (NM_133378.4); c.49663G>A, p.Val16555Ile (NM_133432.3); c.49864G>A, p.Val16622Ile (NM_133437.4); short protein forms V25495I, V16430I, V16555I, V22927I, V16622I, V23854I.
Identifiers: ClinVar variation 715363 (VCV000715363.28), dbSNP rs773127796, ClinGen allele CA1989905.

ClinVar aggregate classification (germline): Conflicting classifications of pathogenicity. Review status: criteria provided, conflicting classifications (1 of 4 stars). 9 submissions from 5 submitters: Uncertain significance (3); Benign (2); Likely benign (2). 2 of the submissions do not count toward it. Last evaluated 2026-02-01.

Conditions:
Autosomal recessive limb-girdle muscular dystrophy type 2J (LGMDR10). Also called: Limb-girdle muscular dystrophy, type 2J; MUSCULAR DYSTROPHY, LIMB-GIRDLE, AUTOSOMAL RECESSIVE 10. Identifiers: Orphanet 140922, MedGen C1837342, MONDO:0012127, OMIM 608807.
Myopathy, myofibrillar, 9, with early respiratory failure (MFM9). Also called: Hereditary myopathy with early respiratory failure; EDSTROM MYOPATHY; MYOPATHY, PROXIMAL, WITH EARLY RESPIRATORY MUSCLE INVOLVEMENT; Myopathy, distal, with early respiratory failure, autosomal dominant. Identifiers: Orphanet 178464, Orphanet 34521, MedGen C1863599, MONDO:0011362, OMIM 603689.
Early-onset myopathy with fatal cardiomyopathy (CMYO5). Also called: CONGENITAL MYOPATHY 5 WITH CARDIOMYOPATHY; Salih Myopathy. Identifiers: Orphanet 289377, MedGen C2673677, MONDO:0012714, OMIM 611705. Disease mechanism: loss of function.
Dilated cardiomyopathy 1G (CMD1G). Identifiers: Orphanet 154, MedGen C1858763, MONDO:0011400, OMIM 604145.
Tibial muscular dystrophy (TMD). Also called: Udd Distal Myopathy – Tibial Muscular Dystrophy; Tibial muscular dystrophy, tardive; UDD MYOPATHY. Identifiers: Orphanet 609, MedGen C1838244, MONDO:0010870, OMIM 600334.

Allele frequency attached by ClinVar (database versions not stated): gnomAD 0.00001 and 0.00005; TOPMed 0.00004; gnomAD exomes 0.00009 and 0.00018; ExAC 0.00019.
gnomAD v4.1: 138 of 1,612,010 alleles (0.0086%); highest among the groups gnomAD compares: South Asian, 0.11%; 2 homozygotes.

Submissions (9):

Labcorp Genetics (formerly Invitae), Labcorp
Classification: Likely benign for Dilated cardiomyopathy 1G; Autosomal recessive limb-girdle muscular dystrophy type 2J. Last evaluated: 2026-02-01. Review status: criteria provided, single submitter. Criteria: Invitae Variant Classification Sherloc (09022015). Collection method: clinical testing. Allele origin: germline.

Blueprint Genetics
Classification: Likely benign. Last evaluated: 2024-03-08. Review status: criteria provided, single submitter. Criteria: ACMG Guidelines, 2015. Collection method: clinical testing. Allele origin: germline.

Illumina Laboratory Services, Illumina
Classification: Benign for Myopathy, myofibrillar, 9, with early respiratory failure. Last evaluated: 2018-01-13. Review status: criteria provided, single submitter. Criteria: ICSL Variant Classification Criteria 13 December 2019. Collection method: clinical testing. Allele origin: germline.
Comment: This variant was observed in the ICSL laboratory as part of a predisposition screen in an ostensibly healthy population. It had not been previously curated by ICSL or reported in the Human Gene Mutation Database (HGMD: prior to June 1st, 2018), and was therefore a candidate for classification through an automated scoring system. Utilizing variant allele frequency, disease prevalence and penetrance estimates, and inheritance mode, an automated score was calculated to assess if this variant is too frequent to cause the disease. Based on the score and internal cut-off values, a variant classified as benign is not then subjected to further curation. The score for this variant resulted in a classification of benign for this disease.

Illumina Laboratory Services, Illumina
Classification: Benign for Tibial muscular dystrophy. Last evaluated: 2018-01-13. Review status: criteria provided, single submitter. Criteria: ICSL Variant Classification Criteria 13 December 2019. Collection method: clinical testing. Allele origin: germline.
Comment: the same text as in the submission from Illumina Laboratory Services, Illumina above.

Illumina Laboratory Services, Illumina
Classification: Uncertain significance for Early-onset myopathy with fatal cardiomyopathy. Last evaluated: 2018-01-13. Review status: criteria provided, single submitter. Criteria: ICSL Variant Classification Criteria 13 December 2019. Collection method: clinical testing. Allele origin: germline.

Illumina Laboratory Services, Illumina
Classification: Uncertain significance for Autosomal recessive limb-girdle muscular dystrophy type 2J. Last evaluated: 2018-01-13. Review status: criteria provided, single submitter. Criteria: ICSL Variant Classification Criteria 13 December 2019. Collection method: clinical testing. Allele origin: germline.

Illumina Laboratory Services, Illumina
Classification: Uncertain significance for Dilated cardiomyopathy 1G. Last evaluated: 2018-01-13. Review status: criteria provided, single submitter. Criteria: ICSL Variant Classification Criteria 13 December 2019. Collection method: clinical testing. Allele origin: germline.

Clinical Genetics DNA and cytogenetics Diagnostics Lab, Erasmus MC, Erasmus Medical Center
Classification: Likely benign. Review status: no assertion criteria provided. Collection method: clinical testing. Allele origin: germline. Affected: yes. Study: VKGL Data-share Consensus. Not counted in ClinVar's aggregate classification.

Clinical Genetics, Academic Medical Center
Classification: Likely benign. Review status: no assertion criteria provided. Collection method: clinical testing. Allele origin: germline. Affected: yes. Study: VKGL Data-share Consensus. Not counted in ClinVar's aggregate classification.